The following is an entry in ClinVar:

ClinVar aggregate classification (germline): Benign/Likely benign. Review status: criteria provided, multiple submitters, no conflicts (2 of 4 stars). 15 submissions from 14 submitters: Benign (7); Likely benign (7). 1 of the submissions does not count toward it. Last evaluated 2026-01-31.

Conditions:
Hereditary cancer-predisposing syndrome. Also called: Tumor predisposition; Neoplastic Syndromes, Hereditary; Hereditary neoplastic syndrome; Hereditary Cancer Syndrome. Identifiers: Orphanet 140162, MedGen C0027672, MeSH D009386, MONDO:0015356.
Tuberous sclerosis syndrome (TSC). Also called: Tuberous Sclerosis Complex; Tuberous sclerosis. Identifiers: Orphanet 805, MedGen C0041341, MONDO:0001734.
Isolated focal cortical dysplasia type II (FCORD2). Also called: CORTICAL DYSPLASIA OF TAYLOR; Focal cortical dysplasia type II. Identifiers: Orphanet 268994, MedGen C1846385, MONDO:0011818, OMIM 607341, HP:0032051.
Tuberous sclerosis 1 (TSC1). Identifiers: Orphanet 805, MedGen C1854465, MONDO:0008612, OMIM 191100.

Allele frequency attached by ClinVar (database versions not stated): gnomAD exomes 0.00002 and 0.00008; ExAC 0.00011; gnomAD 0.00012 and 0.00016; TOPMed 0.00015; 1000 Genomes Project 30x 0.00016; 1000 Genomes Project 0.00020.
gnomAD v4.1: 72 of 1,612,258 alleles (0.0045%); highest among the groups gnomAD compares: Admixed American, 0.033%; 1 homozygote.

Submissions (15):

Labcorp Genetics (formerly Invitae), Labcorp
Classification: Benign for Tuberous sclerosis 1. Last evaluated: 2026-01-31. Review status: criteria provided, single submitter. Criteria: Invitae Variant Classification Sherloc (09022015). Collection method: clinical testing. Allele origin: germline.

KCCC/NGS Laboratory, Kuwait Cancer Control Center
Classification: Benign for Tuberous sclerosis 1. Last evaluated: 2025-02-01. Review status: criteria provided, single submitter. Criteria: ACMG Guidelines, 2015. Collection method: clinical testing. Allele origin: germline. Affected: no.

Blueprint Genetics
Classification: Likely benign. Last evaluated: 2024-11-22. Review status: criteria provided, single submitter. Criteria: ACMG Guidelines, 2015. Collection method: clinical testing. Allele origin: germline.

Myriad Genetics, Inc.
Classification: Benign for Tuberous sclerosis 1. Last evaluated: 2024-09-05. Review status: criteria provided, single submitter. Criteria: Myriad Autosomal Dominant, Autosomal Recessive and X-Linked Classification Criteria (2023). Collection method: clinical testing. Allele origin: unknown.
Comment: This variant is considered benign. Homozygosity has been confirmed in one or more individuals. As homozygosity for pathogenic variants in this gene is generally assumed to result in embryonic lethality, this variant is unlikely to be pathogenic. This variant has been observed at a population frequency that is significantly greater than expected given the associated disease prevalence and penetrance.

ARUP Laboratories, Molecular Genetics and Genomics, ARUP Laboratories
Classification: Likely benign. Last evaluated: 2023-03-20. Review status: criteria provided, single submitter. Criteria: ARUP Molecular Germline Variant Investigation Process 2024. Collection method: clinical testing. Allele origin: germline.

Color Diagnostics, LLC DBA Color Health
Classification: Benign for Tuberous sclerosis syndrome. Last evaluated: 2022-08-31. Review status: criteria provided, single submitter. Criteria: ACMG Guidelines, 2015. Collection method: clinical testing. Allele origin: germline.

Genome-Nilou Lab
Classification: Benign for Tuberous sclerosis 1. Last evaluated: 2021-11-07. Review status: criteria provided, single submitter. Criteria: ACMG Guidelines, 2015. Collection method: clinical testing. Allele origin: germline. Affected: no.

GeneDx
Classification: Likely benign. Last evaluated: 2021-03-23. Review status: criteria provided, single submitter. Criteria: GeneDx Variant Classification Process June 2021. Collection method: clinical testing. Allele origin: germline. Affected: yes.
Comment: This variant is associated with the following publications: (PMID: 22161988)

Sema4
Classification: Benign for Hereditary cancer-predisposing syndrome. Last evaluated: 2021-03-01. Review status: criteria provided, single submitter. Criteria: Sema4 Curation Guidelines. Collection method: curation. Allele origin: germline.

Ambry Genetics
Classification: Likely benign for Hereditary cancer-predisposing syndrome. Last evaluated: 2019-03-13. Review status: criteria provided, single submitter. Criteria: Ambry Variant Classification Scheme 2023. Collection method: clinical testing. Allele origin: germline.

Illumina Laboratory Services, Illumina
Classification: Benign for Isolated focal cortical dysplasia type II. Last evaluated: 2018-01-13. Review status: criteria provided, single submitter. Criteria: ICSL Variant Classification Criteria 13 December 2019. Collection method: clinical testing. Allele origin: germline.
Comment: This variant was observed in the ICSL laboratory as part of a predisposition screen in an ostensibly healthy population. It had not been previously curated by ICSL or reported in the Human Gene Mutation Database (HGMD: prior to June 1st, 2018), and was therefore a candidate for classification through an automated scoring system. Utilizing variant allele frequency, disease prevalence and penetrance estimates, and inheritance mode, an automated score was calculated to assess if this variant is too frequent to cause the disease. Based on the score and internal cut-off values, a variant classified as benign is not then subjected to further curation. The score for this variant resulted in a classification of benign for this disease.

Illumina Laboratory Services, Illumina
Classification: Likely benign for Tuberous sclerosis 1. Last evaluated: 2018-01-13. Review status: criteria provided, single submitter. Criteria: ICSL Variant Classification Criteria 13 December 2019. Collection method: clinical testing. Allele origin: germline.
Comment: This variant was observed in the ICSL laboratory as part of a predisposition screen in an ostensibly healthy population. It had not been previously curated by ICSL or reported in the Human Gene Mutation Database (HGMD: prior to June 1st, 2018), and was therefore a candidate for classification through an automated scoring system. Utilizing variant allele frequency, disease prevalence and penetrance estimates, and inheritance mode, an automated score was calculated to assess if this variant is too frequent to cause the disease. Based on the score and internal cut-off values, a variant classified as likely benign is not then subjected to further curation. The score for this variant resulted in a classification of likely benign for this disease.

Eurofins Ntd Llc (ga)
Classification: Likely benign. Last evaluated: 2015-08-20. Review status: criteria provided, single submitter. Criteria: EGL Classification Definitions 2015. Collection method: clinical testing. Allele origin: germline. Observed: 1 variant allele, 1 heterozygote.

PreventionGenetics, part of Exact Sciences
Classification: Likely benign. Review status: criteria provided, single submitter. Criteria: ACMG Guidelines, 2015. Collection method: clinical testing. Allele origin: germline.

Tuberous sclerosis database (TSC1)
No classification provided. Condition: TSC. Review status: no classification provided. Criteria: Tuberous Sclerosis Database Assertion Criteria 2015. Collection method: curation. Allele origin: germline. Affected: yes. Not counted in ClinVar's aggregate classification.

Literature cited by the submitters: PubMed 22161988 (cited by Ambry Genetics).

NM_000368.5(TSC1):c.1700C>T (p.Ala567Val)

Gene: TSC1 (TSC complex subunit 1; minus strand). Cytogenetic location: 9q34.13.
Variant type: single nucleotide variant.
Coding change: c.1700C>T on transcript NM_000368.5 (MANE Select); coding-DNA position 1700, C replaced by T.
Protein change: p.Ala567Val; replaces alanine 567 with valine.
Molecular consequence: missense variant.
Genome position (GRCh38, 1-based): chr9:132,905,878, G>A on the plus strand (C>T on the coding strand, the complement: TSC1 is on the minus strand). VCF-style: chr9-132905878-G-A. GRCh37 (hg19) VCF-style: chr9-135781265-G-A.
Other names: p.A567V:GCG>GTG; c.1697C>T, p.Ala566Val (NM_001162426.2); c.1547C>T, p.Ala516Val (NM_001162427.2); c.1337C>T, p.Ala446Val (NM_001362177.2); short protein forms A567V, A446V, A516V, A566V.
Identifiers: ClinVar variation 64843 (VCV000064843.33), dbSNP rs397514880, ClinGen allele CA005229.